The following is an entry in ClinVar:

ClinVar aggregate classification (germline): Uncertain significance (1 of 4 stars; one submission).

gnomAD v4.1: 18 of 1,613,830 alleles (0.0011%); highest among the groups gnomAD compares: Non-Finnish European, 0.0014%; no homozygotes.

Submission:

Labcorp Genetics (formerly Invitae), Labcorp
Classification: Uncertain significance. Last evaluated: 2024-07-19. Review status: criteria provided, single submitter. Criteria: Invitae Variant Classification Sherloc (09022015). Collection method: clinical testing. Allele origin: germline.
Comment: This sequence change replaces serine, which is neutral and polar, with tyrosine, which is neutral and polar, at codon 296 of the MS4A1 protein (p.Ser296Tyr). This variant is present in population databases (no rsID available, gnomAD 0.0009%). This variant has not been reported in the literature in individuals affected with MS4A1-related conditions. An algorithm developed to predict the effect of missense changes on protein structure and function (PolyPhen-2) suggests that this variant is likely to be tolerated. In summary, the available evidence is currently insufficient to determine the role of this variant in disease. Therefore, it has been classified as a Variant of Uncertain Significance.

NM_152866.3(MS4A1):c.887C>A (p.Ser296Tyr)

Gene: MS4A1 (membrane spanning 4-domains A1; plus strand). Cytogenetic location: 11q12.2.
Variant type: single nucleotide variant.
Coding change: c.887C>A on transcript NM_152866.3 (MANE Select); coding-DNA position 887, C replaced by A.
Protein change: p.Ser296Tyr; replaces serine 296 with tyrosine.
Molecular consequence: missense variant.
Genome position (GRCh38, 1-based): chr11:60,468,461, C>A. VCF-style: chr11-60468461-C-A. GRCh37 (hg19) VCF-style: chr11-60235934-C-A.
Other names: c.887C>A, p.Ser296Tyr (NM_021950.4, NM_152867.2); short protein forms S296Y.
Identifiers: ClinVar variation 3698727 (VCV003698727.2).